The following is an entry in ClinVar:

ClinVar aggregate classification (germline): not provided (0 of 4 stars; one submission).

Allele frequency attached by ClinVar (database versions not stated): TOPMed 0.00006; gnomAD 0.00007 and 0.00009.
gnomAD v4.1: 62 of 1,082,038 alleles (0.0057%); highest among the groups gnomAD compares: Middle Eastern, 0.089%; 1 homozygote.

Submission:

Human Evolutionary Genetics, Institut Pasteur
No classification provided. Review status: no classification provided. Collection method: not provided. Allele origin: germline.
ClinVar note: Converted during submission from untested to not provided.

NM_176810.2(NLRP13):c.2619-85C>T

Gene: NLRP13 (NLR family pyrin domain containing 13; minus strand). Cytogenetic location: 19q13.43.
Variant type: single nucleotide variant.
Coding change: c.2619-85C>T on transcript NM_176810.2 (MANE Select); 85 bases into the intron before coding-DNA position 2619, C replaced by T.
Molecular consequence: intron variant.
Genome position (GRCh38, 1-based): chr19:55,902,290, G>A on the plus strand (C>T on the coding strand, the complement: NLRP13 is on the minus strand). VCF-style: chr19-55902290-G-A. GRCh37 (hg19) VCF-style: chr19-56413656-G-A.
Other names: c.2619-85C>T (NM_001321057.1).
Identifiers: ClinVar variation 103313 (VCV000103313.2), dbSNP rs199476256, ClinGen allele CA230401.